The following is an entry in ClinVar:

ClinVar aggregate classification (germline): Uncertain significance. Review status: criteria provided, multiple submitters, no conflicts (2 of 4 stars). 5 submissions from 5 submitters: Uncertain significance (5). Last evaluated 2025-02-12.

Conditions:
Familial thoracic aortic aneurysm and aortic dissection (TAAD). Also called: Thoracic aortic aneurysms and dissections. Identifiers: Orphanet 91387, MedGen C4707243, MONDO:0019625.
Aortic aneurysm, familial thoracic 4 (AAT4). Also called: AORTIC ANEURYSM/AORTIC DISSECTION AND PATENT DUCTUS ARTERIOSUS. Identifiers: MedGen C1851504, MONDO:0007568, OMIM 132900.

Allele frequency attached by ClinVar (database versions not stated): gnomAD exomes below 0.00001; gnomAD 0.00001; TOPMed 0.00001; ExAC 0.00002; 1000 Genomes Project 30x 0.00016; 1000 Genomes Project 0.00020.
gnomAD v4.1: 6 of 1,614,216 alleles (0.00037%); highest among the groups gnomAD compares: Middle Eastern, 0.016%; no homozygotes.

Submissions (5):

Labcorp Genetics (formerly Invitae), Labcorp
Classification: Uncertain significance for Aortic aneurysm, familial thoracic 4. Last evaluated: 2025-02-12. Review status: criteria provided, single submitter. Criteria: Invitae Variant Classification Sherloc (09022015). Collection method: clinical testing. Allele origin: germline.
Comment: This sequence change replaces valine, which is neutral and non-polar, with isoleucine, which is neutral and non-polar, at codon 1837 of the MYH11 protein (p.Val1837Ile). This variant is present in population databases (rs185904370, gnomAD 0.007%). This variant has not been reported in the literature in individuals affected with MYH11-related conditions. ClinVar contains an entry for this variant (Variation ID: 920913). Invitae Evidence Modeling of protein sequence and biophysical properties (such as structural, functional, and spatial information, amino acid conservation, physicochemical variation, residue mobility, and thermodynamic stability) indicates that this missense variant is not expected to disrupt MYH11 protein function with a negative predictive value of 95%. In summary, the available evidence is currently insufficient to determine the role of this variant in disease. Therefore, it has been classified as a Variant of Uncertain Significance.

Color Diagnostics, LLC DBA Color Health
Classification: Uncertain significance for Familial thoracic aortic aneurysm and aortic dissection. Last evaluated: 2024-03-06. Review status: criteria provided, single submitter. Criteria: ACMG Guidelines, 2015. Collection method: clinical testing. Allele origin: germline.
Comment: This missense variant replaces valine with isoleucine at codon 1837 of the MYH11 protein. Computational prediction tool suggests that this variant may not impact protein structure and function (internally defined REVEL score threshold <=0.5, PMID: 27666373). Splice site prediction tools suggest that this variant may not impact RNA splicing. To our knowledge, functional studies have not been performed for this variant. This variant has not been reported in individuals affected with cardiovascular disorders in the literature. This variant has been identified in 1/251206 chromosomes in the general population by the Genome Aggregation Database (gnomAD). The available evidence is insufficient to determine the role of this variant in disease conclusively. Therefore, this variant is classified as a Variant of Uncertain Significance.

Ambry Genetics
Classification: Uncertain significance for Familial thoracic aortic aneurysm and aortic dissection. Last evaluated: 2023-05-13. Review status: criteria provided, single submitter. Criteria: Ambry Variant Classification Scheme 2023. Collection method: clinical testing. Allele origin: germline.
Comment: The p.V1830I variant (also known as c.5488G>A), located in coding exon 37 of the MYH11 gene, results from a G to A substitution at nucleotide position 5488. The valine at codon 1830 is replaced by isoleucine, an amino acid with highly similar properties. This amino acid position is conserved. In addition, this alteration is predicted to be tolerated by in silico analysis. Since supporting evidence is limited at this time, the clinical significance of this alteration remains unclear.

GeneDx
Classification: Uncertain significance. Last evaluated: 2022-11-28. Review status: criteria provided, single submitter. Criteria: GeneDx Variant Classification Process June 2021. Collection method: clinical testing. Allele origin: germline. Affected: yes.
Comment: Has not been previously published as pathogenic or benign to our knowledge; Not observed at significant frequency in large population cohorts (gnomAD); In silico analysis supports that this missense variant does not alter protein structure/function

Women's Health and Genetics/Laboratory Corporation of America, LabCorp
Classification: Uncertain significance. Last evaluated: 2021-04-15. Review status: criteria provided, single submitter. Criteria: LabCorp Variant Classification Summary - May 2015. Collection method: clinical testing. Allele origin: germline.
Comment: Variant summary: MYH11 c.5509G>A (p.Val1837Ile) results in a conservative amino acid change located in the Myosin tail domain (IPR002928) of the encoded protein sequence. Three of five in-silico tools predict a benign effect of the variant on protein function. The variant allele was found at a frequency of 4e-06 in 251206 control chromosomes (gnomAD v2.1). The available data on variant occurrences in the general population are insufficient to allow any conclusion about variant significance. To our knowledge, no occurrence of c.5509G>A in individuals affected with Thoracic Aortic Aneurysms and Dissections and no experimental evidence demonstrating its impact on protein function have been reported. One clinical diagnostic laboratory has submitted clinical-significance assessments for this variant to ClinVar after 2014 without evidence for independent evaluation. One laboratory classified the variant as uncertain significance. Based on the evidence outlined above, the variant was classified as uncertain significance.

NM_002474.3(MYH11):c.5488G>A (p.Val1830Ile)

Genes: NDE1 (nudE neurodevelopment protein 1; plus strand), MYH11 (myosin heavy chain 11; minus strand). Cytogenetic location: 16p13.11.
Variant type: single nucleotide variant.
Coding change: c.5488G>A on transcript NM_002474.3 (MANE Select); coding-DNA position 5488, G replaced by A.
Protein change: p.Val1830Ile; replaces valine 1830 with isoleucine.
Molecular consequence: missense variant. On other transcripts: intron variant (2).
Genome position (GRCh38, 1-based): chr16:15,717,156, C>T on the plus strand (G>A on the coding strand, the complement: MYH11 is on the minus strand). VCF-style: chr16-15717156-C-T. GRCh37 (hg19) VCF-style: chr16-15811013-C-T.
Other names: c.5509G>A, p.Val1837Ile (NM_001040113.2, NM_001040114.2); c.5488G>A, p.Val1830Ile (NM_022844.3); c.948-7035C>T (NM_001143979.2, NM_017668.3); short protein forms V1830I, V1837I.
Identifiers: ClinVar variation 920913 (VCV000920913.10), dbSNP rs185904370, ClinGen allele CA7921259.